The following is an entry in ClinVar:

NM_014989.7(RIMS1):c.1404G>T (p.Glu468Asp)

Gene: RIMS1 (regulating synaptic membrane exocytosis 1; plus strand). Cytogenetic location: 6q13.
Variant type: single nucleotide variant.
Coding change: c.1404G>T on transcript NM_014989.7 (MANE Select); coding-DNA position 1404, G replaced by T.
Protein change: p.Glu468Asp; replaces glutamic acid 468 with aspartic acid.
Molecular consequence: missense variant.
Genome position (GRCh38, 1-based): chr6:72,182,875, G>T. VCF-style: chr6-72182875-G-T. GRCh37 (hg19) VCF-style: chr6-72892578-G-T.
Other names: short protein forms E468D.
Identifiers: ClinVar variation 2997904 (VCV002997904.3), dbSNP rs1415103761, ClinGen allele CA364821260.
Genomic context (GRCh38, chr6:72,182,875, plus strand): 5'-CCCGCCGGCGCCCAGACATGGGCCGGTTCCCGCAGAAGCCCCGGAGCTCAAAGCCCAGGA[G>T]CCCCTCAGGAAGCAGAGCCGCCTGGACCCCAGCTCGGCGGTCCTCATGCGGAAGGCCAAG-3'
Protein context (NP_055804.2, residues 458-478): PAEAPELKAQ[Glu468Asp]PLRKQSRLDP

ClinVar aggregate classification (germline): Uncertain significance (1 of 4 stars; one submission).

Allele frequency attached by ClinVar (database versions not stated): gnomAD exomes below 0.00001; TOPMed below 0.00001; gnomAD 0.00001.
gnomAD v4.1: 6 of 1,563,232 alleles (0.00038%); highest among the groups gnomAD compares: Non-Finnish European, 0.00043%; no homozygotes.

Submission:

Labcorp Genetics (formerly Invitae), Labcorp
Classification: Uncertain significance. Last evaluated: 2023-04-15. Review status: criteria provided, single submitter. Criteria: Invitae Variant Classification Sherloc (09022015). Collection method: clinical testing. Allele origin: germline.
Comment: In summary, the available evidence is currently insufficient to determine the role of this variant in disease. Therefore, it has been classified as a Variant of Uncertain Significance. An algorithm developed to predict the effect of missense changes on protein structure and function (PolyPhen-2) suggests that this variant is likely to be tolerated. This variant has not been reported in the literature in individuals affected with RIMS1-related conditions. This variant is present in population databases (no rsID available, gnomAD 0.007%). This sequence change replaces glutamic acid, which is acidic and polar, with aspartic acid, which is acidic and polar, at codon 468 of the RIMS1 protein (p.Glu468Asp).